The following is an entry in ClinVar:

NM_002234.4(KCNA5):c.1579A>G (p.Thr527Ala)

Gene: KCNA5 (potassium voltage-gated channel subfamily A member 5; plus strand). Cytogenetic location: 12p13.32.
Variant type: single nucleotide variant.
Coding change: c.1579A>G on transcript NM_002234.4 (MANE Select); coding-DNA position 1579, A replaced by G.
Protein change: p.Thr527Ala; replaces threonine 527 with alanine.
Molecular consequence: missense variant.
Genome position (GRCh38, 1-based): chr12:5,045,726, A>G. VCF-style: chr12-5045726-A-G. GRCh37 (hg19) VCF-style: chr12-5154892-A-G.
Other names: short protein forms T527A.
Identifiers: ClinVar variation 1473067 (VCV001473067.8), dbSNP rs2137773768, ClinGen allele CA383466790.

ClinVar aggregate classification (germline): Uncertain significance (1 of 4 stars; one submission).

Conditions:
Atrial fibrillation, familial, 7 (ATFB7). Identifiers: MedGen C2677106, MONDO:0012828, OMIM 612240.

Allele frequency attached by ClinVar (database versions not stated): gnomAD exomes below 0.00001.
gnomAD v4.1: 2 of 1,614,108 alleles (0.00012%); highest among the groups gnomAD compares: Non-Finnish European, 0.00017%; no homozygotes.

Submission:

Labcorp Genetics (formerly Invitae), Labcorp
Classification: Uncertain significance for Atrial fibrillation, familial, 7. Last evaluated: 2022-06-09. Review status: criteria provided, single submitter. Criteria: Invitae Variant Classification Sherloc (09022015). Collection method: clinical testing. Allele origin: germline.
Comment: This sequence change replaces threonine, which is neutral and polar, with alanine, which is neutral and non-polar, at codon 527 of the KCNA5 protein (p.Thr527Ala). This variant is not present in population databases (gnomAD no frequency). This variant has not been reported in the literature in individuals affected with KCNA5-related conditions. Algorithms developed to predict the effect of missense changes on protein structure and function are either unavailable or do not agree on the potential impact of this missense change (SIFT: "Deleterious"; PolyPhen-2: "Probably Damaging"; Align-GVGD: "Class C0"). In summary, the available evidence is currently insufficient to determine the role of this variant in disease. Therefore, it has been classified as a Variant of Uncertain Significance.